The following is an entry in ClinVar:

NM_000492.4(CFTR):c.930C>G (p.Phe310Leu)

Gene: CFTR (CF transmembrane conductance regulator; plus strand). Cytogenetic location: 7q31.2.
Variant type: single nucleotide variant.
Coding change: c.930C>G on transcript NM_000492.4 (MANE Select); coding-DNA position 930, C replaced by G.
Protein change: p.Phe310Leu; replaces phenylalanine 310 with leucine.
Molecular consequence: missense variant.
Genome position (GRCh38, 1-based): chr7:117,540,160, C>G. VCF-style: chr7-117540160-C-G. GRCh37 (hg19) VCF-style: chr7-117180214-C-G.
Other names: short protein forms F310L.
Identifiers: ClinVar variation 4868807 (VCV004868807.1).
Genomic context (GRCh38, chr7:117,540,160, plus strand): 5'-AACAGAACTGAAACTGACTCGGAAGGCAGCCTATGTGAGATACTTCAATAGCTCAGCCTT[C>G]TTCTTCTCAGGGTTCTTTGTGGTGTTTTTATCTGTGCTTCCCTATGCACTAATCAAAGGA-3'
Protein context (NP_000483.3, residues 300-320): AYVRYFNSSA[Phe310Leu]FFSGFFVVFL

ClinVar aggregate classification (germline): Uncertain significance (1 of 4 stars; one submission).

Conditions:
Cystic fibrosis (CF). Also called: MUCOVISCIDOSIS. Identifiers: Orphanet 586, MedGen C0010674, MONDO:0009061, OMIM 219700. Disease mechanism: loss of function.

gnomAD v4.1: 7 of 1,613,746 alleles (0.00043%); highest among the groups gnomAD compares: Non-Finnish European, 0.00059%; no homozygotes.

Submission:

Ambry Genetics
Classification: Uncertain significance for Cystic fibrosis. Last evaluated: 2026-04-23. Review status: criteria provided, single submitter. Criteria: Ambry Variant Classification Scheme 2023. Collection method: clinical testing. Allele origin: germline.
Comment: The p.F310L variant (also known as c.930C>G), located in coding exon 8 of the CFTR gene, results from a C to G substitution at nucleotide position 930. The phenylalanine at codon 310 is replaced by leucine, an amino acid with highly similar properties. This amino acid position is well conserved in available vertebrate species. In addition, the in silico prediction for this alteration is inconclusive. Based on the available evidence, the clinical significance of this variant remains unclear.